The following is an entry in ClinVar:

NM_001378452.1(ITPR1):c.1022G>A (p.Arg341Gln)

Gene: ITPR1 (inositol 1,4,5-trisphosphate receptor type 1; plus strand). Cytogenetic location: 3p26.1.
Variant type: single nucleotide variant.
Coding change: c.1022G>A on transcript NM_001378452.1 (MANE Select); coding-DNA position 1022, G replaced by A.
Protein change: p.Arg341Gln; replaces arginine 341 with glutamine.
Molecular consequence: missense variant.
Genome position (GRCh38, 1-based): chr3:4,658,149, G>A. VCF-style: chr3-4658149-G-A. GRCh37 (hg19) VCF-style: chr3-4699833-G-A.
Other names: c.1022G>A, p.Arg341Gln (NM_001099952.4); c.977G>A, p.Arg326Gln (NM_001168272.2, NM_002222.7); short protein forms R341Q, R326Q.
Identifiers: ClinVar variation 1379528 (VCV001379528.7), dbSNP rs373174492, ClinGen allele CA2231073.

ClinVar aggregate classification (germline): Uncertain significance. Review status: criteria provided, multiple submitters, no conflicts (2 of 4 stars). 2 submissions from 2 submitters: Uncertain significance (2). Last evaluated 2025-03-17.

Allele frequency attached by ClinVar (database versions not stated): ExAC 0.00001; gnomAD 0.00001; gnomAD exomes 0.00001 and 0.00002; TOPMed 0.00002; ESP Exome Variant Server 0.00008.
gnomAD v4.1: 35 of 1,612,950 alleles (0.0022%); highest among the groups gnomAD compares: East Asian, 0.0045%; no homozygotes.

Submissions (2):

Labcorp Genetics (formerly Invitae), Labcorp
Classification: Uncertain significance. Last evaluated: 2025-03-17. Review status: criteria provided, single submitter. Criteria: Invitae Variant Classification Sherloc (09022015). Collection method: clinical testing. Allele origin: germline.
Comment: This sequence change replaces arginine, which is basic and polar, with glutamine, which is neutral and polar, at codon 326 of the ITPR1 protein (p.Arg326Gln). This variant is present in population databases (rs373174492, gnomAD 0.002%). This variant has not been reported in the literature in individuals affected with ITPR1-related conditions. ClinVar contains an entry for this variant (Variation ID: 1379528). Invitae Evidence Modeling of protein sequence and biophysical properties (such as structural, functional, and spatial information, amino acid conservation, physicochemical variation, residue mobility, and thermodynamic stability) has been performed for this missense variant. However, the output from this modeling did not meet the statistical confidence thresholds required to predict the impact of this variant on ITPR1 protein function. In summary, the available evidence is currently insufficient to determine the role of this variant in disease. Therefore, it has been classified as a Variant of Uncertain Significance.

Blueprint Genetics
Classification: Uncertain significance. Last evaluated: 2024-11-04. Review status: criteria provided, single submitter. Criteria: ACMG Guidelines, 2015. Collection method: clinical testing. Allele origin: germline.